The following is an entry in ClinVar:

NM_001852.4(COL9A2):c.*561A>G

Gene: COL9A2 (collagen type IX alpha 2 chain; minus strand). Cytogenetic location: 1p34.2.
Variant type: single nucleotide variant.
Coding change: c.*561A>G on transcript NM_001852.4 (MANE Select); 561 bases downstream of the stop codon, A replaced by G.
Molecular consequence: 3 prime UTR variant.
Genome position (GRCh38, 1-based): chr1:40,300,621, T>C on the plus strand (A>G on the coding strand, the complement: COL9A2 is on the minus strand). VCF-style: chr1-40300621-T-C. GRCh37 (hg19) VCF-style: chr1-40766293-T-C.
Identifiers: ClinVar variation 874278 (VCV000874278.4), dbSNP rs138560646, ClinGen allele CA21040985.

ClinVar aggregate classification (germline): Likely benign (1 of 4 stars; one submission).

Conditions:
Epiphyseal dysplasia, multiple, 2 (EDM2). Also called: COL9A2-Related Multiple Epiphyseal Dysplasia. Identifiers: MedGen C1838429, MONDO:0010844, OMIM 600204.

Allele frequency attached by ClinVar (database versions not stated): gnomAD 0.00016 and 0.00020; TOPMed 0.00034; 1000 Genomes Project 30x 0.00078; 1000 Genomes Project 0.00100.

Submission:

Illumina Laboratory Services, Illumina
Classification: Likely benign for Epiphyseal dysplasia, multiple, 2. Last evaluated: 2018-01-13. Review status: criteria provided, single submitter. Criteria: ICSL Variant Classification Criteria 13 December 2019. Collection method: clinical testing. Allele origin: germline.
Comment: This variant was observed in the ICSL laboratory as part of a predisposition screen in an ostensibly healthy population. It had not been previously curated by ICSL or reported in the Human Gene Mutation Database (HGMD: prior to June 1st, 2018), and was therefore a candidate for classification through an automated scoring system. Utilizing variant allele frequency, disease prevalence and penetrance estimates, and inheritance mode, an automated score was calculated to assess if this variant is too frequent to cause the disease. Based on the score and internal cut-off values, a variant classified as likely benign is not then subjected to further curation. The score for this variant resulted in a classification of likely benign for this disease.